The following is an entry in ClinVar:

NM_005334.3(HCFC1):c.3611G>A (p.Arg1204His)

Gene: HCFC1 (host cell factor C1; minus strand). Cytogenetic location: Xq28.
Variant type: single nucleotide variant.
Coding change: c.3611G>A on transcript NM_005334.3 (MANE Select); coding-DNA position 3611, G replaced by A.
Protein change: p.Arg1204His; replaces arginine 1204 with histidine.
Molecular consequence: missense variant.
Genome position (GRCh38, 1-based): chrX:153,954,788, C>T on the plus strand (G>A on the coding strand, the complement: HCFC1 is on the minus strand). VCF-style: chrX-153954788-C-T. GRCh37 (hg19) VCF-style: chrX-153220239-C-T.
Other names: short protein forms R1204H.
Identifiers: ClinVar variation 1352783 (VCV001352783.7), dbSNP rs782325660, ClinGen allele CA10557163.

ClinVar aggregate classification (germline): Uncertain significance. Review status: criteria provided, multiple submitters, no conflicts (2 of 4 stars). 2 submissions from 2 submitters: Uncertain significance (2). Last evaluated 2025-03-31.

Conditions:
Methylmalonic acidemia with homocystinuria, type cblX (MAHCX). Also called: INTELLECTUAL DEVELOPMENTAL DISORDER, X-LINKED 3. Identifiers: Orphanet 369962, MedGen C0796208, MONDO:0010657, OMIM 309541.

Allele frequency attached by ClinVar (database versions not stated): gnomAD 0.00002; gnomAD exomes 0.00003; TOPMed 0.00003.
gnomAD v4.1: 17 of 1,164,691 alleles (0.0015%); highest among the groups gnomAD compares: Admixed American, 0.0051%; no homozygotes.

Submissions (2):

Labcorp Genetics (formerly Invitae), Labcorp
Classification: Uncertain significance for Methylmalonic acidemia with homocystinuria, type cblX. Last evaluated: 2025-03-31. Review status: criteria provided, single submitter. Criteria: Invitae Variant Classification Sherloc (09022015). Collection method: clinical testing. Allele origin: germline.
Comment: This sequence change replaces arginine, which is basic and polar, with histidine, which is basic and polar, at codon 1204 of the HCFC1 protein (p.Arg1204His). The frequency data for this variant in the population databases is considered unreliable, as metrics indicate poor data quality at this position in the gnomAD database. This variant has not been reported in the literature in individuals affected with HCFC1-related conditions. ClinVar contains an entry for this variant (Variation ID: 1352783). An algorithm developed to predict the effect of missense changes on protein structure and function outputs the following: PolyPhen-2: "Benign". The histidine amino acid residue is found in multiple mammalian species, which suggests that this missense change does not adversely affect protein function. In summary, the available evidence is currently insufficient to determine the role of this variant in disease. Therefore, it has been classified as a Variant of Uncertain Significance.

Revvity Omics, Revvity
Classification: Uncertain significance for Methylmalonic acidemia with homocystinuria, type cblX. Last evaluated: 2023-05-16. Review status: criteria provided, single submitter. Criteria: ACMG Guidelines, 2015. Collection method: clinical testing. Allele origin: germline.